The following is an entry in ClinVar:

NM_005502.4(ABCA1):c.*1767G>T

Genes: ABCA1 (ATP binding cassette subfamily A member 1; minus strand), NIPSNAP3B (nipsnap homolog 3B; plus strand). Cytogenetic location: 9q31.1.
Variant type: single nucleotide variant.
Coding change: c.*1767G>T on transcript NM_005502.4 (MANE Select); 1767 bases downstream of the stop codon, G replaced by T.
Molecular consequence: 3 prime UTR variant.
Genome position (GRCh38, 1-based): chr9:104,782,548, C>A on the plus strand (G>T on the coding strand, the complement: ABCA1 is on the minus strand). VCF-style: chr9-104782548-C-A. GRCh37 (hg19) VCF-style: chr9-107544829-C-A.
Identifiers: ClinVar variation 364343 (VCV000364343.5), dbSNP rs547281385, ClinGen allele CA10628646.
Genomic context (GRCh38, chr9:104,782,548, plus strand): 5'-TCATATTTTTCTTTTCTCTCAAGACAGTTAACAGTAAGTATTAGTGAAACAGTATTTTTA[C>A]AAATGTTTACTGACTAGAAAAATAAGACTGGGTTAGAAAACTCTGAAAAATGCTCCATAT-3'

ClinVar aggregate classification (germline): Conflicting classifications of pathogenicity. Review status: criteria provided, conflicting classifications (1 of 4 stars). 2 submissions from 1 submitter: Uncertain significance (1); Benign (1). Last evaluated 2018-01-13.

Conditions:
Hypoalphalipoproteinemia, primary, 1. Identifiers: Orphanet 425, MedGen C5231558, MONDO:0011393, OMIM 604091.
Tangier disease (TGD). Also called: HIGH DENSITY LIPOPROTEIN DEFICIENCY, TANGIER TYPE; HIGH DENSITY LIPOPROTEIN DEFICIENCY, TYPE 1; Cholesterol thesaurismosis. Identifiers: Orphanet 31150, MedGen C0039292, MONDO:0008783, OMIM 205400.

Allele frequency attached by ClinVar (database versions not stated): TOPMed 0.00013; gnomAD 0.00014 and 0.00017; 1000 Genomes Project 30x 0.00031; 1000 Genomes Project 0.00040.

Submissions (2):

Illumina Laboratory Services, Illumina
Classification: Benign for Hypoalphalipoproteinemia, primary, 1. Last evaluated: 2018-01-13. Review status: criteria provided, single submitter. Criteria: ICSL Variant Classification Criteria 13 December 2019. Collection method: clinical testing. Allele origin: germline.
Comment: This variant was observed in the ICSL laboratory as part of a predisposition screen in an ostensibly healthy population. It had not been previously curated by ICSL or reported in the Human Gene Mutation Database (HGMD: prior to June 1st, 2018), and was therefore a candidate for classification through an automated scoring system. Utilizing variant allele frequency, disease prevalence and penetrance estimates, and inheritance mode, an automated score was calculated to assess if this variant is too frequent to cause the disease. Based on the score and internal cut-off values, a variant classified as benign is not then subjected to further curation. The score for this variant resulted in a classification of benign for this disease.

Illumina Laboratory Services, Illumina
Classification: Uncertain significance for Tangier disease. Last evaluated: 2018-01-13. Review status: criteria provided, single submitter. Criteria: ICSL Variant Classification Criteria 13 December 2019. Collection method: clinical testing. Allele origin: germline.